The following is an entry in ClinVar:

ClinVar aggregate classification (germline): Uncertain significance (1 of 4 stars; one submission).

Conditions:
Epidermodysplasia verruciformis. Identifiers: Orphanet 302, MedGen C0014522, MONDO:0009176.

Allele frequency attached by ClinVar (database versions not stated): gnomAD exomes below 0.00001; TOPMed 0.00001.
gnomAD v4.1: 5 of 1,603,404 alleles (0.00031%); highest among the groups gnomAD compares: South Asian, 0.0022%; no homozygotes.

Submission:

Labcorp Genetics (formerly Invitae), Labcorp
Classification: Uncertain significance for Epidermodysplasia verruciformis. Last evaluated: 2022-02-03. Review status: criteria provided, single submitter. Criteria: Invitae Variant Classification Sherloc (09022015). Collection method: clinical testing. Allele origin: germline.
Comment: This sequence change replaces glycine, which is neutral and non-polar, with serine, which is neutral and polar, at codon 242 of the TMC6 protein (p.Gly242Ser). This variant is not present in population databases (gnomAD no frequency). This variant has not been reported in the literature in individuals affected with TMC6-related conditions. Algorithms developed to predict the effect of missense changes on protein structure and function are either unavailable or do not agree on the potential impact of this missense change (SIFT: "Not Available"; PolyPhen-2: "Probably Damaging"; Align-GVGD: "Not Available"). In summary, the available evidence is currently insufficient to determine the role of this variant in disease. Therefore, it has been classified as a Variant of Uncertain Significance.

NM_001127198.5(TMC6):c.724G>A (p.Gly242Ser)

Gene: TMC6 (transmembrane channel like 6; minus strand). Cytogenetic location: 17q25.3.
Variant type: single nucleotide variant.
Coding change: c.724G>A on transcript NM_001127198.5 (MANE Select); coding-DNA position 724, G replaced by A.
Protein change: p.Gly242Ser; replaces glycine 242 with serine.
Molecular consequence: missense variant. On other transcripts: non-coding transcript variant (4).
Genome position (GRCh38, 1-based): chr17:78,124,691, C>T on the plus strand (G>A on the coding strand, the complement: TMC6 is on the minus strand). VCF-style: chr17-78124691-C-T. GRCh37 (hg19) VCF-style: chr17-76120772-C-T.
Other names: c.724G>A, p.Gly242Ser (NM_001321185.1, NM_001374593.1, NM_001374594.1 and 4 more transcripts); short protein forms G242S.
Identifiers: ClinVar variation 1922964 (VCV001922964.4), dbSNP rs1209555485, ClinGen allele CA401232882.
Genomic context (GRCh38, chr17:78,124,691, plus strand): 5'-GGAGGGCATTGAAAGCCAGCAGGGTCTTGAGAAAGAGGAAGTAGGAGAGCACGCTGGAGC[C>T]GAACTGGCCCCCGATGCGCTTCAGGGCGTAGCGCCACGGCATCAGGGCCTGCAGGGCGGA-3'
Protein context (NP_001120670.1, residues 232-252): YALKRIGGQF[Gly242Ser]SSVLSYFLFL